The following is an entry in ClinVar:

ClinVar aggregate classification (germline): Conflicting classifications of pathogenicity. Review status: criteria provided, conflicting classifications (1 of 4 stars). 4 submissions from 4 submitters: Uncertain significance (1); Likely benign (3). Last evaluated 2025-12-08.

Allele frequency attached by ClinVar (database versions not stated): gnomAD 0.00016 and 0.00017; gnomAD exomes 0.00016 and 0.00020; TOPMed 0.00017; ExAC 0.00018; ESP Exome Variant Server 0.00023.
gnomAD v4.1: 253 of 1,612,764 alleles (0.016%); highest among the groups gnomAD compares: Non-Finnish European, 0.017%; no homozygotes.

Submissions (4):

Labcorp Genetics (formerly Invitae), Labcorp
Classification: Likely benign. Last evaluated: 2025-12-08. Review status: criteria provided, single submitter. Criteria: Invitae Variant Classification Sherloc (09022015). Collection method: clinical testing. Allele origin: germline.

GeneDx
Classification: Uncertain significance. Last evaluated: 2025-09-08. Review status: criteria provided, single submitter. Criteria: GeneDx Variant Classification Process June 2021. Collection method: clinical testing. Allele origin: germline. Affected: yes.
Comment: In silico analysis suggests that this variant does not alter splicing; Has not been previously published as pathogenic or benign to our knowledge

Laboratory of Genetics, Children's Clinical University Hospital Latvia
Classification: Likely benign. Last evaluated: 2025-02-16. Review status: criteria provided, single submitter. Criteria: ACMG Guidelines, 2015. Collection method: clinical testing. Allele origin: germline. Affected: yes.

Blueprint Genetics
Classification: Likely benign. Last evaluated: 2024-11-22. Review status: criteria provided, single submitter. Criteria: ACMG Guidelines, 2015. Collection method: clinical testing. Allele origin: germline.

NM_001377299.1(NDUFS2):c.600C>T (p.Phe200=)

Gene: NDUFS2 (NADH:ubiquinone oxidoreductase core subunit S2; plus strand). Cytogenetic location: 1q23.3.
Variant type: single nucleotide variant.
Coding change: c.600C>T on transcript NM_001377299.1 (MANE Select); coding-DNA position 600, C replaced by T.
Protein change: p.Phe200=; no amino-acid change (phenylalanine 200 retained).
Molecular consequence: synonymous variant. On other transcripts: non-coding transcript variant (1).
Genome position (GRCh38, 1-based): chr1:161,209,568, C>T. VCF-style: chr1-161209568-C-T. GRCh37 (hg19) VCF-style: chr1-161179358-C-T.
Other names: c.600C>T, p.Phe200= (NM_001166159.2, NM_001377298.1, NM_001377300.1 and 3 more transcripts).
Identifiers: ClinVar variation 1616576 (VCV001616576.15), dbSNP rs138185030, ClinGen allele CA1208617.
Genomic context (GRCh38, chr1:161,209,568, plus strand): 5'-GTTGAACCACATCATGGCTGTGACCACACATGCCCTGGACCTTGGGGCCATGACCCCTTT[C>T]TTCTGGCTGTTTGAAGAAAGGGAGAAGGTAAGAGTGGGAGGAAAGGATAGGAATAGGGAA-3'
Protein context (NP_001364228.1, residues 190-210): HALDLGAMTP[Phe200=]FWLFEEREKM